The following is an entry in ClinVar:

NM_014975.3(MAST1):c.3350C>T (p.Ser1117Leu)

Gene: MAST1 (microtubule associated serine/threonine kinase 1; plus strand). Cytogenetic location: 19p13.13.
Variant type: single nucleotide variant.
Coding change: c.3350C>T on transcript NM_014975.3 (MANE Select); coding-DNA position 3350, C replaced by T.
Protein change: p.Ser1117Leu; replaces serine 1117 with leucine.
Molecular consequence: missense variant.
Genome position (GRCh38, 1-based): chr19:12,873,410, C>T. VCF-style: chr19-12873410-C-T. GRCh37 (hg19) VCF-style: chr19-12984224-C-T.
Other names: short protein forms S1117L.
Identifiers: ClinVar variation 3374873 (VCV003374873.1).

ClinVar aggregate classification (germline): Uncertain significance (1 of 4 stars; one submission).

gnomAD v4.1: 3 of 1,613,892 alleles (0.00019%); highest among the groups gnomAD compares: Non-Finnish European, 0.00025%; no homozygotes.

Submission:

Women's Health and Genetics/Laboratory Corporation of America, LabCorp
Classification: Uncertain significance. Last evaluated: 2024-09-11. Review status: criteria provided, single submitter. Criteria: LabCorp Variant Classification Summary - May 2015. Collection method: clinical testing. Allele origin: germline.
Comment: Variant summary: MAST1 c.3350C>T (p.Ser1117Leu) results in a non-conservative amino acid change in the encoded protein sequence. Four of five in-silico tools predict a damaging effect of the variant on protein function. The variant was absent in 250500 control chromosomes. The available data on variant occurrences in the general population are insufficient to allow any conclusion about variant significance. To our knowledge, no occurrence of c.3350C>T in individuals affected with Mega-Corpus Syndrome With Cerebellar Hypoplasia And Cortical Malformations and no experimental evidence demonstrating its impact on protein function have been reported. No submitters have cited clinical-significance assessments for this variant to ClinVar. Based on the evidence outlined above, the variant was classified as uncertain significance.